The following is an entry in ClinVar:

ClinVar aggregate classification (germline): Uncertain significance. Review status: criteria provided, multiple submitters, no conflicts (2 of 4 stars). 3 submissions from 3 submitters: Uncertain significance (3). Last evaluated 2025-03-10.

Conditions:
TTN-related disorder. Also called: TTN-related disorders; TTN-related condition; TTN-related disease.
Dilated cardiomyopathy 1G (CMD1G). Identifiers: Orphanet 154, MedGen C1858763, MONDO:0011400, OMIM 604145.
Autosomal recessive limb-girdle muscular dystrophy type 2J (LGMDR10). Also called: Limb-girdle muscular dystrophy, type 2J; MUSCULAR DYSTROPHY, LIMB-GIRDLE, AUTOSOMAL RECESSIVE 10. Identifiers: Orphanet 140922, MedGen C1837342, MONDO:0012127, OMIM 608807.

Allele frequency attached by ClinVar (database versions not stated): gnomAD 0.00001; gnomAD exomes 0.00001 and 0.00002; TOPMed 0.00001; ExAC 0.00002.
gnomAD v4.1: 9 of 1,613,618 alleles (0.00056%); highest among the groups gnomAD compares: Non-Finnish European, 0.00068%; no homozygotes.

Submissions (3):

PreventionGenetics, part of Exact Sciences
Classification: Uncertain significance for TTN-related condition. Last evaluated: 2025-03-10. Review status: criteria provided, single submitter. Criteria: ACMG Guidelines, 2015. Collection method: clinical testing. Allele origin: germline.
Comment: The TTN c.95497T>A variant is predicted to result in the amino acid substitution p.Ser31833Thr. This variant has been reported in one individual with left ventricular noncompaction (Table S2, Mazzarotto et al. 2021. PubMed ID: 33500567). This variant is reported in 0.0035% of alleles in individuals of European (Non-Finnish) descent in gnomAD. At this time, the clinical significance of this variant is uncertain due to the absence of conclusive functional and genetic evidence.

CeGaT Center for Human Genetics Tuebingen
Classification: Uncertain significance. Last evaluated: 2022-04-01. Review status: criteria provided, single submitter. Criteria: CeGaT Center For Human Genetics Tuebingen Variant Classification Criteria Version 2. Collection method: clinical testing. Allele origin: germline. Affected: yes. Observed: 1 variant allele.
Comment: TTN: PM2

Labcorp Genetics (formerly Invitae), Labcorp
Classification: Uncertain significance for Dilated cardiomyopathy 1G; Autosomal recessive limb-girdle muscular dystrophy type 2J. Last evaluated: 2017-10-07. Review status: criteria provided, single submitter. Criteria: Invitae Variant Classification Sherloc (09022015). Collection method: clinical testing. Allele origin: germline.

NM_001267550.2(TTN):c.95497T>A (p.Ser31833Thr)

Genes: TTN (titin; minus strand), TTN-AS1 (TTN antisense RNA 1; plus strand). Cytogenetic location: 2q31.2.
Variant type: single nucleotide variant.
Coding change: c.95497T>A on transcript NM_001267550.2 (MANE Select); coding-DNA position 95497, T replaced by A.
Protein change: p.Ser31833Thr; replaces serine 31833 with threonine.
Molecular consequence: missense variant.
Genome position (GRCh38, 1-based): chr2:178,545,613, A>T on the plus strand (T>A on the coding strand, the complement: TTN is on the minus strand). VCF-style: chr2-178545613-A-T. GRCh37 (hg19) VCF-style: chr2-179410340-A-T.
Other names: c.90574T>A, p.Ser30192Thr (NM_001256850.1); c.68302T>A, p.Ser22768Thr (NM_003319.4); c.87793T>A, p.Ser29265Thr (NM_133378.4); c.68677T>A, p.Ser22893Thr (NM_133432.3); c.68878T>A, p.Ser22960Thr (NM_133437.4); short protein forms S31833T, S22768T, S22960T, S29265T, S30192T, S22893T.
Identifiers: ClinVar variation 535100 (VCV000535100.29), dbSNP rs764271138, ClinGen allele CA1986943.